The following is an entry in ClinVar:

NM_001287491.2(TET3):c.4874A>C (p.Glu1625Ala)

Gene: TET3 (tet methylcytosine dioxygenase 3; plus strand). Cytogenetic location: 2p13.1.
Variant type: single nucleotide variant.
Coding change: c.4874A>C on transcript NM_001287491.2 (MANE Select); coding-DNA position 4874, A replaced by C.
Protein change: p.Glu1625Ala; replaces glutamic acid 1625 with alanine.
Molecular consequence: missense variant.
Genome position (GRCh38, 1-based): chr2:74,101,662, A>C. VCF-style: chr2-74101662-A-C. GRCh37 (hg19) VCF-style: chr2-74328789-A-C.
Other names: c.4595A>C, p.Glu1532Ala (NM_001366022.1); c.4469A>C, p.Glu1490Ala (NM_144993.1); short protein forms E1490A, E1532A, E1625A.
Identifiers: ClinVar variation 1878308 (VCV001878308.1), dbSNP rs781740394, ClinGen allele CA1719311.

ClinVar aggregate classification (germline): Uncertain significance (1 of 4 stars; one submission).

Allele frequency attached by ClinVar (database versions not stated): ExAC 0.00002; gnomAD 0.00003; TOPMed 0.00003.
gnomAD v4.1: 5 of 1,613,544 alleles (0.00031%); highest among the groups gnomAD compares: African/African-American, 0.0067%; no homozygotes.

Submission:

Women's Health and Genetics/Laboratory Corporation of America, LabCorp
Classification: Uncertain significance. Last evaluated: 2022-12-15. Review status: criteria provided, single submitter. Criteria: LabCorp Variant Classification Summary - May 2015. Collection method: clinical testing. Allele origin: germline.
Comment: Variant summary: TET3 c.4874A>C (p.Glu1625Ala) results in a non-conservative amino acid change located in the Methylcytosine dioxygenase TET1-3, oxygenase domain (IPR046942) of the encoded protein sequence. Two of four in-silico tools predict a benign effect of the variant on protein function. The variant allele was found at a frequency of 1.4e-05 in 278452 control chromosomes (gnomAD). The available data on variant occurrences in the general population are insufficient to allow any conclusion about variant significance. To our knowledge, no occurrence of c.4874A>C in individuals affected with Beck-Fahrner Syndrome and no experimental evidence demonstrating its impact on protein function have been reported. No clinical diagnostic laboratories have submitted clinical-significance assessments for this variant to ClinVar after 2014. Based on the evidence outlined above, the variant was classified as uncertain significance.